The following is an entry in ClinVar:

NM_206937.2(LIG4):c.590G>T (p.Gly197Val)

Gene: LIG4 (DNA ligase 4; minus strand). Cytogenetic location: 13q33.3.
Variant type: single nucleotide variant.
Coding change: c.590G>T on transcript NM_206937.2 (MANE Select); coding-DNA position 590, G replaced by T.
Protein change: p.Gly197Val; replaces glycine 197 with valine.
Molecular consequence: missense variant.
Genome position (GRCh38, 1-based): chr13:108,210,679, C>A on the plus strand (G>T on the coding strand, the complement: LIG4 is on the minus strand). VCF-style: chr13-108210679-C-A. GRCh37 (hg19) VCF-style: chr13-108863027-C-A.
Other names: c.626G>T, p.Gly209Val (NM_001352604.2); c.590G>T, p.Gly197Val (NM_001379095.1, NM_002312.3, NM_001098268.2 and 6 more transcripts); c.389G>T, p.Gly130Val (NM_001330595.2); short protein forms G209V, G130V, G197V.
Identifiers: ClinVar variation 1992916 (VCV001992916.2), dbSNP rs779944478, ClinGen allele CA388621189.

ClinVar aggregate classification (germline): Uncertain significance. Review status: criteria provided, multiple submitters, no conflicts (2 of 4 stars). 2 submissions from 2 submitters: Uncertain significance (2). Last evaluated 2025-06-18.

Conditions:
Inborn genetic diseases. Identifiers: MedGen C0950123, MeSH D030342.
DNA ligase IV deficiency. Identifiers: Orphanet 99812, MedGen C1847827, MONDO:0011686, OMIM 606593.

Submissions (2):

Ambry Genetics
Classification: Uncertain significance for Inborn genetic diseases. Last evaluated: 2025-06-18. Review status: criteria provided, single submitter. Criteria: Ambry Variant Classification Scheme 2023. Collection method: clinical testing. Allele origin: germline.

Labcorp Genetics (formerly Invitae), Labcorp
Classification: Uncertain significance for DNA ligase IV deficiency. Last evaluated: 2022-06-09. Review status: criteria provided, single submitter. Criteria: Invitae Variant Classification Sherloc (09022015). Collection method: clinical testing. Allele origin: germline.
Comment: This sequence change replaces glycine, which is neutral and non-polar, with valine, which is neutral and non-polar, at codon 197 of the LIG4 protein (p.Gly197Val). This variant is present in population databases (no rsID available, gnomAD 0.006%). This variant has not been reported in the literature in individuals affected with LIG4-related conditions. Algorithms developed to predict the effect of missense changes on protein structure and function (SIFT, PolyPhen-2, Align-GVGD) all suggest that this variant is likely to be disruptive. In summary, the available evidence is currently insufficient to determine the role of this variant in disease. Therefore, it has been classified as a Variant of Uncertain Significance.